The following is an entry in ClinVar:

ClinVar aggregate classification (germline): Uncertain significance (1 of 4 stars; one submission).

Submission:

Ambry Genetics
Classification: Uncertain significance. Last evaluated: 2024-05-06. Review status: criteria provided, single submitter. Criteria: Ambry Variant Classification Scheme 2023. Collection method: clinical testing. Allele origin: germline.
Comment: The p.F395S variant (also known as c.1184T>C), located in coding exon 8 of the IDH1 gene, results from a T to C substitution at nucleotide position 1184. The phenylalanine at codon 395 is replaced by serine, an amino acid with highly dissimilar properties. This amino acid position is conserved. In addition, this alteration is predicted to be deleterious by in silico analysis. Based on the available evidence, the clinical significance of this variant remains unclear.

NM_005896.4(IDH1):c.1184T>C (p.Phe395Ser)

Gene: IDH1 (isocitrate dehydrogenase (NADP(+)) 1; minus strand). Cytogenetic location: 2q34.
Variant type: single nucleotide variant.
Coding change: c.1184T>C on transcript NM_005896.4 (MANE Select); coding-DNA position 1184, T replaced by C.
Protein change: p.Phe395Ser; replaces phenylalanine 395 with serine.
Molecular consequence: missense variant.
Genome position (GRCh38, 1-based): chr2:208,237,140, A>G on the plus strand (T>C on the coding strand, the complement: IDH1 is on the minus strand). VCF-style: chr2-208237140-A-G. GRCh37 (hg19) VCF-style: chr2-209101864-A-G.
Other names: c.1184T>C, p.Phe395Ser (NM_001282386.1, NM_001282387.1); short protein forms F395S.
Identifiers: ClinVar variation 3285242 (VCV003285242.1).